The following is an entry in ClinVar:

NM_006922.4(SCN3A):c.207T>A (p.Pro69=)

Gene: SCN3A (sodium voltage-gated channel alpha subunit 3; minus strand). Cytogenetic location: 2q24.3.
Variant type: single nucleotide variant.
Coding change: c.207T>A on transcript NM_006922.4 (MANE Select); coding-DNA position 207, T replaced by A.
Protein change: p.Pro69=; no amino-acid change (proline 69 retained).
Molecular consequence: synonymous variant.
Genome position (GRCh38, 1-based): chr2:165,176,188, A>T on the plus strand (T>A on the coding strand, the complement: SCN3A is on the minus strand). VCF-style: chr2-165176188-A-T. GRCh37 (hg19) VCF-style: chr2-166032698-A-T.
Other names: c.207T>A, p.Pro69= (NM_001081676.2, NM_001081677.2); c.207T>A (NM_006922.3).
Identifiers: ClinVar variation 1013417 (VCV001013417.46), dbSNP rs754282083, ClinGen allele CA1939489.

ClinVar aggregate classification (germline): Benign/Likely benign. Review status: criteria provided, multiple submitters, no conflicts (2 of 4 stars). 3 submissions from 3 submitters: Benign (1); Likely benign (1). 1 of the submissions does not count toward it. Last evaluated 2025-09-01.

Conditions:
SCN3A-related disorder. Also called: SCN3A-related condition.

Allele frequency attached by ClinVar (database versions not stated): TOPMed 0.00002; gnomAD exomes 0.00007 and 0.00013; ExAC 0.00012.
gnomAD v4.1: 120 of 1,613,970 alleles (0.0074%); highest among the groups gnomAD compares: Non-Finnish European, 0.0023%; no homozygotes.

Submissions (3):

Labcorp Genetics (formerly Invitae), Labcorp
Classification: Benign. Last evaluated: 2025-09-01. Review status: criteria provided, single submitter. Criteria: Invitae Variant Classification Sherloc (09022015). Collection method: clinical testing. Allele origin: germline.

CeGaT Center for Human Genetics Tuebingen
Classification: Likely benign. Last evaluated: 2020-11-01. Review status: criteria provided, single submitter. Criteria: CeGaT Center For Human Genetics Tuebingen Variant Classification Criteria Version 2. Collection method: clinical testing. Allele origin: germline. Affected: yes. Observed: 1 variant allele.

PreventionGenetics, part of Exact Sciences
Classification: Likely benign for SCN3A-related condition. Last evaluated: 2019-03-27. Review status: no assertion criteria provided. Collection method: clinical testing. Allele origin: germline. Not counted in ClinVar's aggregate classification.
Comment: This variant is classified as likely benign based on ACMG/AMP sequence variant interpretation guidelines (Richards et al. 2015 PMID: 25741868, with internal and published modifications).